The following is an entry in ClinVar:

Conditions:
Breast-ovarian cancer, familial, susceptibility to, 1 (BROVCA1). Also called: BRCA1 Hereditary Breast and Ovarian Cancer; OVARIAN CANCER, SUSCEPTIBILITY TO. Identifiers: Orphanet 145, MedGen C2676676, MONDO:0011450, OMIM 604370. Disease mechanism: loss of function.

Submission:

Brotman Baty Institute, University of Washington
No classification provided (evidence only). Condition: Breast-ovarian cancer, familial 1. Review status: no classification provided. Collection method: in vitro. Allele origin: not applicable. Functional consequence: functionally_normal.
ClinVar note: "not provided" was previously submitted as the classification for the variant. However, the classification appeared to be based only on an observation of functional data so it was converted to no classification on 2025-07-30.

NM_007294.4(BRCA1):c.36A>T (p.Gln12His)

Gene: BRCA1 (BRCA1 DNA repair associated; minus strand). Cytogenetic location: 17q21.31.
Variant type: single nucleotide variant.
Coding change: c.36A>T on transcript NM_007294.4 (MANE Select); coding-DNA position 36, A replaced by T.
Protein change: p.Gln12His; replaces glutamine 12 with histidine.
Molecular consequence: missense variant. On other transcripts: 5 prime UTR variant (1), non-coding transcript variant (1).
Genome position (GRCh38, 1-based): chr17:43,124,061, T>A on the plus strand (A>T on the coding strand, the complement: BRCA1 is on the minus strand). VCF-style: chr17-43124061-T-A. GRCh37 (hg19) VCF-style: chr17-41276078-T-A.
Other names: c.36A>T, p.Gln12His (NM_001408448.1, NM_001408450.1, NM_001408451.1 and 193 more transcripts); c.-225A>T (NM_001408452.1, NM_001408462.1, NM_001408463.1 and 22 more transcripts); c.-52A>T (NM_001408454.1, NM_001408459.1, NM_001408460.1 and 23 more transcripts); c.-222A>T (NM_001408455.1, NM_001408456.1, NM_001408468.1 and 11 more transcripts); c.-226A>T (NM_001408465.1, NM_001407695.1); c.-153A>T (NM_001408478.1, NM_001408479.1, NM_001408480.1 and 46 more transcripts); c.-298A>T (NM_001408482.1); c.-269A>T (NM_001408492.1, NM_001407889.1); and 8 more; short protein forms Q12H.
Identifiers: ClinVar variation 868718 (VCV000868718.3), dbSNP rs763230080, ClinGen allele CA10602089.